The following is an entry in ClinVar:

ClinVar aggregate classification (germline): Uncertain significance (1 of 4 stars; one submission).

gnomAD v4.1: 1 of 1,614,082 alleles (0.000062%); highest among the groups gnomAD compares: Non-Finnish European, 0.000085%; no homozygotes.

Submission:

GeneDx
Classification: Uncertain significance. Last evaluated: 2025-06-14. Review status: criteria provided, single submitter. Criteria: GeneDx Variant Classification Process June 2021. Collection method: clinical testing. Allele origin: germline. Affected: yes.
Comment: Not observed at significant frequency in large population cohorts (gnomAD); In silico analysis suggests that this missense variant does not alter protein structure/function; Has not been previously published as pathogenic or benign to our knowledge

NM_021224.6(ZNF462):c.6948G>T (p.Gln2316His)

Genes: ZNF462 (zinc finger protein 462; plus strand), LOC340512 (uncharacterized LOC340512; minus strand). Cytogenetic location: 9q31.2.
Variant type: single nucleotide variant.
Coding change: c.6948G>T on transcript NM_021224.6 (MANE Select); coding-DNA position 6948, G replaced by T.
Protein change: p.Gln2316His; replaces glutamine 2316 with histidine.
Molecular consequence: missense variant.
Genome position (GRCh38, 1-based): chr9:106,984,301, G>T. VCF-style: chr9-106984301-G-T. GRCh37 (hg19) VCF-style: chr9-109746582-G-T.
Other names: c.4353G>T, p.Gln1451His (NM_001347997.2); short protein forms Q1451H, Q2316H.
Identifiers: ClinVar variation 4537573 (VCV004537573.1).